The following is an entry in ClinVar:

NM_001267550.2(TTN):c.49443A>C (p.Pro16481=)

Genes: TTN (titin; minus strand), TTN-AS1 (TTN antisense RNA 1; plus strand). Cytogenetic location: 2q31.2.
Variant type: single nucleotide variant.
Coding change: c.49443A>C on transcript NM_001267550.2 (MANE Select); coding-DNA position 49443, A replaced by C.
Protein change: p.Pro16481=; no amino-acid change (proline 16481 retained).
Molecular consequence: synonymous variant.
Genome position (GRCh38, 1-based): chr2:178,613,840, T>G on the plus strand (A>C on the coding strand, the complement: TTN is on the minus strand). VCF-style: chr2-178613840-T-G. GRCh37 (hg19) VCF-style: chr2-179478567-T-G.
Other names: p.P13913P:CCA>CCC; p.Pro13913=; c.44520A>C, p.Pro14840= (NM_001256850.1); c.22248A>C, p.Pro7416= (NM_003319.4); c.41739A>C, p.Pro13913= (NM_133378.4); c.22623A>C, p.Pro7541= (NM_133432.3); c.22824A>C, p.Pro7608= (NM_133437.4).
Identifiers: ClinVar variation 47031 (VCV000047031.40), dbSNP rs74321406, ClinGen allele CA283338.
Genomic context (GRCh38, chr2:178,613,840, plus strand): 5'-ATTGCATCTAACCCATTTATCTGTATCAGGATCCAGTCTTTCAACCCAGTATCCTGTGAT[T>G]GGGCTGCCACCATCATCATCTGGCTCACACCATGTGAGAGTCACTGCGTCTTTAGTGATA-3'
Protein context (NP_001254479.2, residues 16471-16491): WCEPDDDGGS[Pro16481=]ITGYWVERLD

ClinVar aggregate classification (germline): Benign/Likely benign. Review status: criteria provided, multiple submitters, no conflicts (2 of 4 stars). 24 submissions from 17 submitters: Benign (17); Likely benign (4). 3 of the submissions do not count toward it. Last evaluated 2026-02-04.

Conditions:
Cardiovascular phenotype. Identifiers: MedGen CN230736.
Dilated cardiomyopathy 1G (CMD1G). Identifiers: Orphanet 154, MedGen C1858763, MONDO:0011400, OMIM 604145.
Autosomal recessive limb-girdle muscular dystrophy type 2J (LGMDR10). Also called: MUSCULAR DYSTROPHY, LIMB-GIRDLE, AUTOSOMAL RECESSIVE 10; Limb-girdle muscular dystrophy, type 2J. Identifiers: Orphanet 140922, MedGen C1837342, MONDO:0012127, OMIM 608807.
Early-onset myopathy with fatal cardiomyopathy (CMYO5). Also called: CONGENITAL MYOPATHY 5 WITH CARDIOMYOPATHY; Salih Myopathy. Identifiers: Orphanet 289377, MedGen C2673677, MONDO:0012714, OMIM 611705. Disease mechanism: loss of function.
Hypertrophic cardiomyopathy 9. Also called: Familial hypertrophic cardiomyopathy 9. Identifiers: MedGen C1861065, MONDO:0013412, OMIM 613765.
Tibial muscular dystrophy (TMD). Also called: Udd Distal Myopathy – Tibial Muscular Dystrophy; Tibial muscular dystrophy, tardive; UDD MYOPATHY. Identifiers: Orphanet 609, MedGen C1838244, MONDO:0010870, OMIM 600334.
Myopathy, myofibrillar, 9, with early respiratory failure (MFM9). Also called: Myopathy, distal, with early respiratory failure, autosomal dominant; Hereditary myopathy with early respiratory failure; MYOPATHY, PROXIMAL, WITH EARLY RESPIRATORY MUSCLE INVOLVEMENT; EDSTROM MYOPATHY. Identifiers: Orphanet 178464, Orphanet 34521, MedGen C1863599, MONDO:0011362, OMIM 603689.
Cardiomyopathy (CMYO). Also called: Cardiomyopathies. Identifiers: Orphanet 167848, MedGen C0878544, MONDO:0004994, HP:0001638. Inheritance: Various modes of inheritance.

Allele frequency attached by ClinVar (database versions not stated): 1000 Genomes Project 30x 0.01062; gnomAD exomes 0.00076 and 0.00195; ESP Exome Variant Server 0.00930; ExAC 0.00240; gnomAD 0.00724 and 0.00774; TOPMed 0.00840; 1000 Genomes Project 0.00958.
gnomAD v4.1: 2,249 of 1,612,548 alleles (0.14%); highest among the groups gnomAD compares: African/African-American, 2.7%; 30 homozygotes.

Submissions (24):

Labcorp Genetics (formerly Invitae), Labcorp
Classification: Benign for Dilated cardiomyopathy 1G; Autosomal recessive limb-girdle muscular dystrophy type 2J. Last evaluated: 2026-02-04. Review status: criteria provided, single submitter. Criteria: Invitae Variant Classification Sherloc (09022015). Collection method: clinical testing. Allele origin: germline.

Molecular Diagnostic Laboratory for Inherited Cardiovascular Disease, Montreal Heart Institute
Classification: Benign. Last evaluated: 2025-04-09. Review status: criteria provided, single submitter. Criteria: ACMG Guidelines, 2015. Collection method: clinical testing. Allele origin: germline. Affected: no.

ARUP Laboratories, Molecular Genetics and Genomics, ARUP Laboratories
Classification: Benign. Last evaluated: 2025-04-08. Review status: criteria provided, single submitter. Criteria: ARUP Molecular Germline Variant Investigation Process 2024. Collection method: clinical testing. Allele origin: germline.

Athena Diagnostics
Classification: Benign. Last evaluated: 2024-05-20. Review status: criteria provided, single submitter. Criteria: Athena Diagnostics Criteria. Collection method: clinical testing. Allele origin: unknown.

Fulgent Genetics
Classification: Benign for Tibial muscular dystrophy; Myopathy, myofibrillar, 9, with early respiratory failure; Dilated cardiomyopathy 1G; Autosomal recessive limb-girdle muscular dystrophy type 2J; Early-onset myopathy with fatal cardiomyopathy; Hypertrophic cardiomyopathy 9. Last evaluated: 2021-11-02. Review status: criteria provided, single submitter. Criteria: ACMG Guidelines, 2015. Collection method: clinical testing. Allele origin: unknown.

Genome-Nilou Lab
Classification: Benign for Autosomal recessive limb-girdle muscular dystrophy type 2J. Last evaluated: 2021-09-10. Review status: criteria provided, single submitter. Criteria: ACMG Guidelines, 2015. Collection method: clinical testing. Allele origin: germline. Affected: no.

Genome-Nilou Lab
Classification: Benign for Myopathy, myofibrillar, 9, with early respiratory failure. Last evaluated: 2021-09-10. Review status: criteria provided, single submitter. Criteria: ACMG Guidelines, 2015. Collection method: clinical testing. Allele origin: germline. Affected: no.

Genome-Nilou Lab
Classification: Benign for Early-onset myopathy with fatal cardiomyopathy. Last evaluated: 2021-09-10. Review status: criteria provided, single submitter. Criteria: ACMG Guidelines, 2015. Collection method: clinical testing. Allele origin: germline. Affected: no.

Genome-Nilou Lab
Classification: Benign for Tibial muscular dystrophy. Last evaluated: 2021-09-10. Review status: criteria provided, single submitter. Criteria: ACMG Guidelines, 2015. Collection method: clinical testing. Allele origin: germline. Affected: no.

Women's Health and Genetics/Laboratory Corporation of America, LabCorp
Classification: Benign. Last evaluated: 2020-04-12. Review status: criteria provided, single submitter. Criteria: LabCorp Variant Classification Summary - May 2015. Collection method: clinical testing. Allele origin: germline.

Mayo Clinic Laboratories, Mayo Clinic
Classification: Benign. Last evaluated: 2019-02-28. Review status: criteria provided, single submitter. Criteria: ACMG Guidelines, 2015. Collection method: clinical testing. Allele origin: germline. Observed: 15 variant alleles.

Illumina Laboratory Services, Illumina
Classification: Likely benign for Early-onset myopathy with fatal cardiomyopathy. Last evaluated: 2018-01-12. Review status: criteria provided, single submitter. Criteria: ICSL Variant Classification Criteria 13 December 2019. Collection method: clinical testing. Allele origin: germline.
Comment: This variant was observed in the ICSL laboratory as part of a predisposition screen in an ostensibly healthy population. It had not been previously curated by ICSL or reported in the Human Gene Mutation Database (HGMD: prior to June 1st, 2018), and was therefore a candidate for classification through an automated scoring system. Utilizing variant allele frequency, disease prevalence and penetrance estimates, and inheritance mode, an automated score was calculated to assess if this variant is too frequent to cause the disease. Based on the score and internal cut-off values, a variant classified as likely benign is not then subjected to further curation. The score for this variant resulted in a classification of likely benign for this disease.

Illumina Laboratory Services, Illumina
Classification: Likely benign for Dilated cardiomyopathy 1G. Last evaluated: 2018-01-12. Review status: criteria provided, single submitter. Criteria: ICSL Variant Classification Criteria 13 December 2019. Collection method: clinical testing. Allele origin: germline.
Comment: the same text as in the submission from Illumina Laboratory Services, Illumina above.

Illumina Laboratory Services, Illumina
Classification: Benign for Myopathy, myofibrillar, 9, with early respiratory failure. Last evaluated: 2018-01-12. Review status: criteria provided, single submitter. Criteria: ICSL Variant Classification Criteria 13 December 2019. Collection method: clinical testing. Allele origin: germline.
Comment: This variant was observed in the ICSL laboratory as part of a predisposition screen in an ostensibly healthy population. It had not been previously curated by ICSL or reported in the Human Gene Mutation Database (HGMD: prior to June 1st, 2018), and was therefore a candidate for classification through an automated scoring system. Utilizing variant allele frequency, disease prevalence and penetrance estimates, and inheritance mode, an automated score was calculated to assess if this variant is too frequent to cause the disease. Based on the score and internal cut-off values, a variant classified as benign is not then subjected to further curation. The score for this variant resulted in a classification of benign for this disease.

Illumina Laboratory Services, Illumina
Classification: Likely benign for Autosomal recessive limb-girdle muscular dystrophy type 2J. Last evaluated: 2018-01-12. Review status: criteria provided, single submitter. Criteria: ICSL Variant Classification Criteria 13 December 2019. Collection method: clinical testing. Allele origin: germline.
Comment: the same text as in the submission from Illumina Laboratory Services, Illumina above.

Illumina Laboratory Services, Illumina
Classification: Benign for Tibial muscular dystrophy. Last evaluated: 2018-01-12. Review status: criteria provided, single submitter. Criteria: ICSL Variant Classification Criteria 13 December 2019. Collection method: clinical testing. Allele origin: germline.
Comment: the same text as in the submission from Illumina Laboratory Services, Illumina above.

CHEO Genetics Diagnostic Laboratory, Children's Hospital of Eastern Ontario
Classification: Benign for Cardiomyopathy. Last evaluated: 2017-08-21. Review status: criteria provided, single submitter. Criteria: ACMG Guidelines, 2015. Collection method: clinical testing. Allele origin: germline. Study: Canadian Open Genetics Repository.

GeneDx
Classification: Benign. Last evaluated: 2014-03-14. Review status: criteria provided, single submitter. Criteria: GeneDx Variant Classification (06012015). Collection method: clinical testing. Allele origin: germline. Affected: yes.
Comment: This variant is considered likely benign or benign based on one or more of the following criteria: it is a conservative change, it occurs at a poorly conserved position in the protein, it is predicted to be benign by multiple in silico algorithms, and/or has population frequency not consistent with disease.

Ambry Genetics
Classification: Benign for Cardiovascular phenotype. Last evaluated: 2013-09-13. Review status: criteria provided, single submitter. Criteria: Ambry Autosomal Dominant and X-Linked criteria (10/2015). Collection method: clinical testing. Allele origin: germline. Observed: 1 variant allele.

Laboratory for Molecular Medicine, Mass General Brigham Personalized Medicine
Classification: Benign. Last evaluated: 2012-07-10. Review status: criteria provided, single submitter. Criteria: LMM Criteria. Collection method: clinical testing. Allele origin: germline. Observed: 13 variant alleles.
Comment: Pro13913Pro in Exon 212 of TTN: This variant is not expected to have clinical si gnificance because it does not alter an amino acid residue, is not located withi n the splice consensus sequence and has been identified in 2.8% (91/3256) of Afr ican American chromosomes from a broad population by the NHLBI Exome Sequencing Project (dbSNP rs74321406).

Breakthrough Genomics
Classification: Likely benign. Review status: criteria provided, single submitter. Criteria: ACMG Guidelines, 2015. Collection method: not provided. Allele origin: germline. Inheritance: Autosomal recessive inheritance. Affected: yes.

Clinical Genetics DNA and cytogenetics Diagnostics Lab, Erasmus MC, Erasmus Medical Center
Classification: Benign. Review status: no assertion criteria provided. Collection method: clinical testing. Allele origin: germline. Affected: yes. Study: VKGL Data-share Consensus. Not counted in ClinVar's aggregate classification.

Clinical Genetics, Academic Medical Center
Classification: Benign. Review status: no assertion criteria provided. Collection method: clinical testing. Allele origin: germline. Affected: yes. Study: VKGL Data-share Consensus. Not counted in ClinVar's aggregate classification.

Diagnostic Laboratory, Department of Genetics, University Medical Center Groningen
Classification: Likely benign. Review status: no assertion criteria provided. Collection method: clinical testing. Allele origin: germline. Affected: yes. Study: VKGL Data-share Consensus. Not counted in ClinVar's aggregate classification.